The following is an entry in ClinVar:

ClinVar aggregate classification (germline): Likely benign. Review status: criteria provided, multiple submitters, no conflicts (2 of 4 stars). 3 submissions from 3 submitters: Likely benign (3). Last evaluated 2025-09-14.

Conditions:
Multiple endocrine neoplasia, type 2 (MEN2). Identifiers: Orphanet 653, MedGen C4048306, MONDO:0019003. Disease mechanism: gain of function.

Allele frequency attached by ClinVar (database versions not stated): TOPMed 0.00001; gnomAD 0.00002.
gnomAD v4.1: 12 of 1,613,504 alleles (0.00074%); highest among the groups gnomAD compares: East Asian, 0.018%; no homozygotes.

Submissions (3):

Labcorp Genetics (formerly Invitae), Labcorp
Classification: Likely benign for Multiple endocrine neoplasia, type 2. Last evaluated: 2025-09-14. Review status: criteria provided, single submitter. Criteria: Invitae Variant Classification Sherloc (09022015). Collection method: clinical testing. Allele origin: germline.

All of Us Research Program, National Institutes of Health
Classification: Likely benign for Multiple endocrine neoplasia, type 2. Last evaluated: 2023-12-01. Review status: criteria provided, single submitter. Criteria: ACMG Guidelines, 2015. Collection method: clinical testing. Allele origin: germline. Inheritance: Autosomal dominant inheritance. Observed: 4 variant alleles, 4 heterozygotes.
Comment: This study involves interpretation of variants in research participants for the purpose of population health screening. Participant phenotype was not available at the time of variant classification. Additional details can be found in publication PMID: 35346344, PMCID: PMC8962531

Color Diagnostics, LLC DBA Color Health
Classification: Likely benign for Multiple endocrine neoplasia, type 2. Last evaluated: 2022-11-10. Review status: criteria provided, single submitter. Criteria: ACMG Guidelines, 2015. Collection method: clinical testing. Allele origin: germline.

NM_020975.6(RET):c.1264-7C>T

Gene: RET (ret proto-oncogene; plus strand). Cytogenetic location: 10q11.21.
Variant type: single nucleotide variant.
Coding change: c.1264-7C>T on transcript NM_020975.6 (MANE Select); 7 bases into the intron before coding-DNA position 1264, C replaced by T.
Molecular consequence: intron variant.
Genome position (GRCh38, 1-based): chr10:43,111,200, C>T. VCF-style: chr10-43111200-C-T. GRCh37 (hg19) VCF-style: chr10-43606648-C-T.
Other names: c.1264-7C>T (NM_020630.7, NM_001406743.1, NM_001406744.1 and 4 more transcripts); c.868-7C>T (NM_001406772.1, NM_001406769.1); c.826-7C>T (NM_001406773.1, NM_001406771.1); c.626-899C>T (NM_001406782.1, NM_001406780.1, NM_001406779.1 and 3 more transcripts); c.1135-7C>T (NM_001406764.1, NM_001406762.1, NM_001406761.1 and 1 more transcripts); c.739-7C>T (NM_001406774.1); c.497-899C>T (NM_001406786.1, NM_001406783.1); c.976-7C>T (NM_001406770.1, NM_001406766.1, NM_001406767.1); and 5 more.
Identifiers: ClinVar variation 413456 (VCV000413456.20), dbSNP rs772930754, ClinGen allele CA032685.